The following is an entry in ClinVar:

NM_001368882.1(COL13A1):c.988G>A (p.Ala330Thr)

Gene: COL13A1 (collagen type XIII alpha 1 chain; plus strand). Cytogenetic location: 10q22.1.
Variant type: single nucleotide variant.
Coding change: c.988G>A on transcript NM_001368882.1 (MANE Select); coding-DNA position 988, G replaced by A.
Protein change: p.Ala330Thr; replaces alanine 330 with threonine.
Molecular consequence: missense variant.
Genome position (GRCh38, 1-based): chr10:69,918,306, G>A. VCF-style: chr10-69918306-G-A. GRCh37 (hg19) VCF-style: chr10-71678062-G-A.
Other names: c.1018G>A, p.Ala340Thr (NM_001130103.2); c.988G>A, p.Ala330Thr (NM_001320951.2, NM_001368884.1); c.952G>A, p.Ala318Thr (NM_001368883.1, NM_001368885.1, NM_080801.4 and 1 more transcripts); c.388G>A, p.Ala130Thr (NM_001368886.1); c.898G>A, p.Ala300Thr (NM_001368895.1); c.847G>A, p.Ala283Thr (NM_001368896.1, NM_001368898.1, NM_080798.4); c.874G>A, p.Ala292Thr (NM_001368897.1); c.961G>A, p.Ala321Thr (NM_080800.4); and 1 more; short protein forms A289T, A292T, A321T, A340T, A283T, A318T, A130T, A300T.
Identifiers: ClinVar variation 1396004 (VCV001396004.6), dbSNP rs1047597097, ClinGen allele CA209267001.

ClinVar aggregate classification (germline): Uncertain significance (1 of 4 stars; one submission).

Allele frequency attached by ClinVar (database versions not stated): gnomAD 0.00001; TOPMed 0.00001.
gnomAD v4.1: 3 of 1,613,100 alleles (0.00019%); highest among the groups gnomAD compares: Non-Finnish European, 0.00025%; no homozygotes.

Submission:

Labcorp Genetics (formerly Invitae), Labcorp
Classification: Uncertain significance. Last evaluated: 2021-12-01. Review status: criteria provided, single submitter. Criteria: Invitae Variant Classification Sherloc (09022015). Collection method: clinical testing. Allele origin: germline.
Comment: In summary, the available evidence is currently insufficient to determine the role of this variant in disease. Therefore, it has been classified as a Variant of Uncertain Significance. Algorithms developed to predict the effect of missense changes on protein structure and function are either unavailable or do not agree on the potential impact of this missense change (SIFT: "Deleterious"; PolyPhen-2: "Benign"; Align-GVGD: "Class C55"). This variant has not been reported in the literature in individuals affected with COL13A1-related conditions. This variant is not present in population databases (gnomAD no frequency). This sequence change replaces alanine, which is neutral and non-polar, with threonine, which is neutral and polar, at codon 340 of the COL13A1 protein (p.Ala340Thr).